The following is an entry in ClinVar:

ClinVar aggregate classification (germline): Uncertain significance (1 of 4 stars; one submission).

Conditions:
Charcot-Marie-Tooth disease axonal type 2P. Also called: CHARCOT-MARIE-TOOTH NEUROPATHY, TYPE 2P; Charcot-Marie-Tooth Neuropathy Type 2G; CHARCOT-MARIE-TOOTH DISEASE, AXONAL, TYPE 2G; CMT 2G. Identifiers: Orphanet 300319, Orphanet 99941, MedGen C3280797, MONDO:0013753, OMIM 614436.

Submission:

Labcorp Genetics (formerly Invitae), Labcorp
Classification: Uncertain significance for Charcot-Marie-Tooth disease axonal type 2P. Last evaluated: 2024-09-25. Review status: criteria provided, single submitter. Criteria: Invitae Variant Classification Sherloc (09022015). Collection method: clinical testing. Allele origin: germline.
Comment: This sequence change replaces alanine, which is neutral and non-polar, with valine, which is neutral and non-polar, at codon 386 of the LRSAM1 protein (p.Ala386Val). This variant is not present in population databases (gnomAD no frequency). This variant has not been reported in the literature in individuals affected with LRSAM1-related conditions. An algorithm developed to predict the effect of missense changes on protein structure and function (PolyPhen-2) suggests that this variant is likely to be disruptive. In summary, the available evidence is currently insufficient to determine the role of this variant in disease. Therefore, it has been classified as a Variant of Uncertain Significance.

NM_001005373.4(LRSAM1):c.1157C>T (p.Ala386Val)

Gene: LRSAM1 (leucine rich repeat and sterile alpha motif containing 1; plus strand). Cytogenetic location: 9q33.3.
Variant type: single nucleotide variant.
Coding change: c.1157C>T on transcript NM_001005373.4 (MANE Select); coding-DNA position 1157, C replaced by T.
Protein change: p.Ala386Val; replaces alanine 386 with valine.
Molecular consequence: missense variant. On other transcripts: non-coding transcript variant (2).
Genome position (GRCh38, 1-based): chr9:127,483,018, C>T. VCF-style: chr9-127483018-C-T. GRCh37 (hg19) VCF-style: chr9-130245297-C-T.
Other names: c.1157C>T, p.Ala386Val (NM_001005374.4, NM_001190723.3, NM_001384142.1 and 2 more transcripts); c.368C>T, p.Ala123Val (NM_001384144.1); short protein forms A123V, A386V.
Identifiers: ClinVar variation 3624787 (VCV003624787.2).